The following is an entry in ClinVar:

ClinVar aggregate classification (germline): Uncertain significance (1 of 4 stars; one submission).

Conditions:
Idiopathic generalized epilepsy. Also called: Generalised epilepsy; EIG. Identifiers: MedGen C0270850, MONDO:0005579, OMIM 600669.
Hyperaldosteronism, familial, type IV (HALD4). Also called: FH IV; ALDOSTERONISM, PRIMARY, AND HYPERTENSION. Identifiers: Orphanet 642671, MedGen C4310756, MONDO:0014875, OMIM 617027.

Allele frequency attached by ClinVar (database versions not stated): gnomAD exomes below 0.00001; TOPMed 0.00001.
gnomAD v4.1: 3 of 1,600,536 alleles (0.00019%); highest among the groups gnomAD compares: Admixed American, 0.0017%; no homozygotes.

Submission:

Labcorp Genetics (formerly Invitae), Labcorp
Classification: Uncertain significance for Idiopathic generalized epilepsy; Hyperaldosteronism, familial, type IV. Last evaluated: 2020-06-08. Review status: criteria provided, single submitter. Criteria: Invitae Variant Classification Sherloc (09022015). Collection method: clinical testing. Allele origin: germline.
Comment: In summary, the available evidence is currently insufficient to determine the role of this variant in disease. Therefore, it has been classified as a Variant of Uncertain Significance. Algorithms developed to predict the effect of missense changes on protein structure and function are either unavailable or do not agree on the potential impact of this missense change (SIFT: "Tolerated"; PolyPhen-2: "Possibly Damaging"; Align-GVGD: "Class C0"). This variant has not been reported in the literature in individuals with CACNA1H-related conditions. This variant is not present in population databases (ExAC no frequency). This sequence change replaces isoleucine with valine at codon 1077 of the CACNA1H protein (p.Ile1077Val). The isoleucine residue is highly conserved and there is a small physicochemical difference between isoleucine and valine.

NM_021098.3(CACNA1H):c.3229A>G (p.Ile1077Val)

Gene: CACNA1H (calcium voltage-gated channel subunit alpha1 H; plus strand). Cytogenetic location: 16p13.3.
Variant type: single nucleotide variant.
Coding change: c.3229A>G on transcript NM_021098.3 (MANE Select); coding-DNA position 3229, A replaced by G.
Protein change: p.Ile1077Val; replaces isoleucine 1077 with valine.
Molecular consequence: missense variant.
Genome position (GRCh38, 1-based): chr16:1,208,087, A>G. VCF-style: chr16-1208087-A-G. GRCh37 (hg19) VCF-style: chr16-1258087-A-G.
Other names: c.3229A>G, p.Ile1077Val (NM_001005407.2); short protein forms I1077V.
Identifiers: ClinVar variation 1008278 (VCV001008278.8), dbSNP rs1368323486, ClinGen allele CA394171944.